The following is an entry in ClinVar:

ClinVar aggregate classification (germline): Uncertain significance (1 of 4 stars; one submission).

Conditions:
Charcot-Marie-Tooth disease, type I (CMT1). Also called: Charcot-Marie-Tooth, Type 1; Charcot-Marie-Tooth disease type 1. Identifiers: Orphanet 65753, MedGen C0751036, MONDO:0019011.

Allele frequency attached by ClinVar (database versions not stated): gnomAD 0.00001.

Submission:

Labcorp Genetics (formerly Invitae), Labcorp
Classification: Uncertain significance for Charcot-Marie-Tooth disease, type I. Last evaluated: 2023-12-21. Review status: criteria provided, single submitter. Criteria: Invitae Variant Classification Sherloc (09022015). Collection method: clinical testing. Allele origin: germline.
Comment: This sequence change replaces tyrosine, which is neutral and polar, with histidine, which is basic and polar, at codon 75 of the EGR2 protein (p.Tyr75His). This variant is present in population databases (no rsID available, gnomAD 0.007%). This missense change has been observed in individual(s) with clinical features of autosomal dominant Charcot-Marie-Tooth disease (Invitae). ClinVar contains an entry for this variant (Variation ID: 1432408). Advanced modeling of protein sequence and biophysical properties (such as structural, functional, and spatial information, amino acid conservation, physicochemical variation, residue mobility, and thermodynamic stability) performed at Invitae indicates that this missense variant is not expected to disrupt EGR2 protein function with a negative predictive value of 80%. In summary, the available evidence is currently insufficient to determine the role of this variant in disease. Therefore, it has been classified as a Variant of Uncertain Significance.

NM_000399.5(EGR2):c.223T>C (p.Tyr75His)

Gene: EGR2 (early growth response 2; minus strand). Cytogenetic location: 10q21.3.
Variant type: single nucleotide variant.
Coding change: c.223T>C on transcript NM_000399.5 (MANE Select); coding-DNA position 223, T replaced by C.
Protein change: p.Tyr75His; replaces tyrosine 75 with histidine.
Molecular consequence: missense variant.
Genome position (GRCh38, 1-based): chr10:62,814,415, A>G on the plus strand (T>C on the coding strand, the complement: EGR2 is on the minus strand). VCF-style: chr10-62814415-A-G. GRCh37 (hg19) VCF-style: chr10-64574175-A-G.
Other names: c.223T>C, p.Tyr75His (NM_001136177.3, NM_001136178.2); c.73T>C, p.Tyr25His (NM_001136179.3, NM_001321037.2); short protein forms Y25H, Y75H.
Identifiers: ClinVar variation 1432408 (VCV001432408.6), dbSNP rs745451966, ClinGen allele CA377032224.